The following is an entry in ClinVar:

ClinVar aggregate classification (germline): Uncertain significance (1 of 4 stars; one submission).

Conditions:
Inborn genetic diseases. Identifiers: MedGen C0950123, MeSH D030342.

Submission:

Ambry Genetics
Classification: Uncertain significance for Inborn genetic diseases. Last evaluated: 2023-06-10. Review status: criteria provided, single submitter. Criteria: Ambry Variant Classification Scheme 2023. Collection method: clinical testing. Allele origin: germline.
Comment: The p.A1166V variant (also known as c.3497C>T) is located in coding exon 26 of the LRRK2 gene. The alanine at codon 1166 is replaced by valine, an amino acid with similar properties. This change occurs in the first base pair of coding exon 26. This amino acid position is conserved. In addition, this alteration is predicted to be tolerated by in silico analysis. Since supporting evidence is limited at this time, the clinical significance of this alteration remains unclear.

NM_198578.4(LRRK2):c.3497C>T (p.Ala1166Val)

Gene: LRRK2 (leucine rich repeat kinase 2; plus strand). Cytogenetic location: 12q12.
Variant type: single nucleotide variant.
Coding change: c.3497C>T on transcript NM_198578.4 (MANE Select); coding-DNA position 3497, C replaced by T.
Protein change: p.Ala1166Val; replaces alanine 1166 with valine.
Molecular consequence: missense variant.
Genome position (GRCh38, 1-based): chr12:40,302,789, C>T. VCF-style: chr12-40302789-C-T. GRCh37 (hg19) VCF-style: chr12-40696591-C-T.
Other names: short protein forms A1166V.
Identifiers: ClinVar variation 2562429 (VCV002562429.2), dbSNP rs1306645642, ClinGen allele CA384416297.
Genomic context (GRCh38, chr12:40,302,789, plus strand): 5'-GAATTTAATGGAAATCTGGTTAAAATGATTAAAATGTTTATCTCATTTTTTTTCTTTTAG[C>T]TGCTATGCCTTTCTTGCCTCCTTCTATGACAATCCTAAAATTATCTCAGAACAAATTTTC-3'
Protein context (NP_940980.4, residues 1156-1176): ESFSARMNFL[Ala1166Val]AMPFLPPSMT